The following is an entry in ClinVar:

NM_001308093.3(GATA4):c.431C>T (p.Ala144Val)

Gene: GATA4 (GATA binding protein 4). Cytogenetic location: 8p23.1.
Variant type: single nucleotide variant.
Coding change: c.431C>T on transcript NM_001308093.3 (MANE Select); coding-DNA position 431, C replaced by T.
Protein change: p.Ala144Val; replaces alanine 144 with valine.
Molecular consequence: missense variant. On other transcripts: intron variant (3).
Genome position (GRCh38, 1-based): chr8:11,708,743, C>T. VCF-style: chr8-11708743-C-T. GRCh37 (hg19) VCF-style: chr8-11566252-C-T.
Other names: c.431C>T, p.Ala144Val (NM_002052.5); c.-6+7965C>T (NM_001308094.2); c.-3+729C>T (NM_001374274.1); c.-3+4439C>T (NM_001374273.1); short protein forms A144V.
Identifiers: ClinVar variation 4709566 (VCV004709566.1).

ClinVar aggregate classification (germline): Uncertain significance (1 of 4 stars; one submission).

Conditions:
Atrioventricular septal defect 4 (AVSD4). Identifiers: MedGen C3280781, MONDO:0013747, OMIM 614430.

Submission:

Labcorp Genetics (formerly Invitae), Labcorp
Classification: Uncertain significance for Atrioventricular septal defect 4. Last evaluated: 2025-07-06. Review status: criteria provided, single submitter. Criteria: Invitae Variant Classification Sherloc (09022015). Collection method: clinical testing. Allele origin: germline.
Comment: This sequence change replaces alanine, which is neutral and non-polar, with valine, which is neutral and non-polar, at codon 144 of the GATA4 protein (p.Ala144Val). The frequency data for this variant in the population databases is considered unreliable, as metrics indicate poor data quality at this position in the gnomAD database. This missense change has been observed in individual(s) with clinical features of GATA4-related conditions (PMID: 26490186, 33142350). Invitae Evidence Modeling of protein sequence and biophysical properties (such as structural, functional, and spatial information, amino acid conservation, physicochemical variation, residue mobility, and thermodynamic stability) indicates that this missense variant is not expected to disrupt GATA4 protein function with a negative predictive value of 95%. In summary, the available evidence is currently insufficient to determine the role of this variant in disease. Therefore, it has been classified as a Variant of Uncertain Significance.

Literature cited by the submitters: PubMed 26490186; PubMed 33142350.